The following is an entry in ClinVar:

ClinVar aggregate classification (germline): Likely pathogenic (1 of 4 stars; one submission).

Conditions:
KYNU-related disorder. Also called: KYNU-related condition; KYNU-related disorders.

Submission:

PreventionGenetics, part of Exact Sciences
Classification: Likely pathogenic for KYNU-related condition. Last evaluated: 2023-06-21. Review status: criteria provided, single submitter. Criteria: ACMG Guidelines, 2015. Collection method: clinical testing. Allele origin: germline.
Comment: The KYNU c.373_373+3delGGTA variant is predicted to result in a deletion affecting a canonical splice site. To our knowledge, this variant has not been reported in the literature or in a large population database, indicating this variant is rare. Frameshift variants in KYNU are expected to be pathogenic. This variant is interpreted as likely pathogenic.

NM_003937.3(KYNU):c.373_373+3del

Gene: KYNU (kynureninase; plus strand). Cytogenetic location: 2q22.2.
Variant type: Deletion.
Coding change: c.373_373+3del on transcript NM_003937.3 (MANE Select); coding-DNA position 373 through 3 bases into the intron after coding-DNA position 373, 4 bases deleted (GGTA; older notation c.373_373+3delGGTA).
Molecular consequence: splice donor variant.
Genome position (GRCh38, 1-based): chr2:142,927,741-142,927,744, GGTA deleted; deleting any 4 consecutive bases within chr2:142,927,738-142,927,744 gives the same sequence; the c. name uses the placement nearest the transcript's 3' end. VCF-style (leftmost placement, unchanged base first): chr2-142927737-TGTAG-T. GRCh37 (hg19) VCF-style: chr2-143685306-TGTAG-T.
Other names: c.373_373+3del (NM_001199241.2, NM_001032998.2).
Identifiers: ClinVar variation 2632261 (VCV002632261.1), dbSNP rs1683090143, ClinGen allele CA1037283949.